The following is an entry in ClinVar:

NM_003366.4(UQCRC2):c.757_766+3del

Genes: PDZD9 (PDZ domain containing 9), UQCRC2 (ubiquinol-cytochrome c reductase core protein 2). Cytogenetic location: 16p12.2.
Variant type: Deletion.
Coding change: c.757_766+3del on transcript NM_003366.4 (MANE Select); coding-DNA position 757 through 3 bases into the intron after coding-DNA position 766, this stretch deleted.
Molecular consequence: splice donor variant.
Genome position: GRCh38 VCF-style: chr16-21971610-CTACCGTGGAGGTA-C. GRCh37 (hg19) VCF-style: chr16-21982931-CTACCGTGGAGGTA-C.
Identifiers: ClinVar variation 430296 (VCV000430296.9), dbSNP rs745553184, ClinGen allele CA7953847.

ClinVar aggregate classification (germline): Conflicting classifications of pathogenicity. Review status: criteria provided, conflicting classifications (1 of 4 stars). 2 submissions from 2 submitters: Likely pathogenic (1); Uncertain significance (1). Last evaluated 2025-12-31.

Allele frequency attached by ClinVar (database versions not stated): gnomAD exomes below 0.00001; ExAC 0.00001.

Submissions (2):

GeneDx
Classification: Likely pathogenic. Last evaluated: 2025-12-31. Review status: criteria provided, single submitter. Criteria: GeneDx Variant Classification Process June 2021. Collection method: clinical testing. Allele origin: germline. Affected: yes.
Comment: Canonical splice site variant predicted to result in an in-frame loss of the adjacent exon in a gene for which loss of function is a known mechanism of disease; Not observed at significant frequency in large population cohorts (gnomAD); Has not been previously published as pathogenic or benign to our knowledge

Labcorp Genetics (formerly Invitae), Labcorp
Classification: Uncertain significance. Last evaluated: 2021-10-11. Review status: criteria provided, single submitter. Criteria: Invitae Variant Classification Sherloc (09022015). Collection method: clinical testing. Allele origin: germline.
Comment: This variant results in the deletion of part of exon 9 of the UQCRC2 gene. It is expected to disrupt RNA splicing. Variants that disrupt the donor or acceptor splice site typically lead to a loss of protein function (PMID: 16199547), however the current clinical and genetic evidence is not sufficient to establish whether loss-of-function variants in UQCRC2 cause disease. The frequency data for this variant in the population databases is considered unreliable, as metrics indicate poor data quality at this position in the ExAC database. This variant has been observed in individual(s) with mitochondrial complex III deficiency (external communication). ClinVar contains an entry for this variant (Variation ID: 430296). Algorithms developed to predict the effect of sequence changes on RNA splicing suggest that this variant may disrupt the consensus splice site. In summary, the available evidence is currently insufficient to determine the role of this variant in disease. Therefore, it has been classified as a Variant of Uncertain Significance.

Literature cited by the submitters: PubMed 16199547 (cited by Labcorp Genetics (formerly Invitae), Labcorp).